The following is an entry in ClinVar:

NM_004183.4(BEST1):c.602T>C (p.Ile201Thr)

Gene: BEST1 (bestrophin 1; plus strand). Cytogenetic location: 11q12.3.
Variant type: single nucleotide variant.
Coding change: c.602T>C on transcript NM_004183.4 (MANE Select); coding-DNA position 602, T replaced by C.
Protein change: p.Ile201Thr; replaces isoleucine 201 with threonine.
Molecular consequence: missense variant. On other transcripts: non-coding transcript variant (1).
Genome position (GRCh38, 1-based): chr11:61,956,964, T>C. VCF-style: chr11-61956964-T-C. GRCh37 (hg19) VCF-style: chr11-61724436-T-C.
Other names: c.422T>C, p.Ile141Thr (NM_001139443.3, NM_001300786.2, NM_001300787.2); c.284T>C, p.Ile95Thr (NM_001363591.3); c.602T>C, p.Ile201Thr (NM_001363592.2); c.-574T>C (NM_001363593.3); short protein forms I201T, I141T, I95T.
Identifiers: ClinVar variation 99726 (VCV000099726.56), dbSNP rs199529046, ClinGen allele CA199155.

ClinVar aggregate classification (germline): Pathogenic/Likely pathogenic. Review status: criteria provided, multiple submitters, no conflicts (2 of 4 stars). 12 submissions from 12 submitters: Pathogenic (7); Likely pathogenic (4). 1 of the submissions does not count toward it. Last evaluated 2025-06-30.

Conditions:
BEST1-related disorder. Also called: BEST1-related condition; BEST1-related disorders. Identifiers: MedGen CN239200.
Autosomal recessive bestrophinopathy. Also called: Autosomal Recessive Bestrophinopathy (ARB). Identifiers: Orphanet 139455, MedGen C3888198, MONDO:0012733, OMIM 611809.
Vitelliform macular dystrophy 2. Also called: Best vitelliform macular dystrophy, multifocal; MACULAR DEGENERATION, POLYMORPHIC VITELLINE; VITELLIFORM MACULAR DYSTROPHY, EARLY-ONSET; VITELLIFORM MACULAR DYSTROPHY, JUVENILE-ONSET; Best Macular Dystrophy; Best Vitelliform Macular Dystrophy (BVMD). Identifiers: Orphanet 1243, MedGen C2745945, MONDO:0007931, OMIM 153700.
Autosomal dominant vitreoretinochoroidopathy. Also called: VITREORETINOCHOROIDOPATHY WITH MICROCORNEA, GLAUCOMA, AND CATARACT; VITREORETINOCHOROIDOPATHY, AUTOSOMAL DOMINANT, WITH NANOPHTHALMOS; Autosomal Dominant Vitreoretinochoroidopathy (ADVIRC). Identifiers: Orphanet 263347, Orphanet 3086, MedGen C3888099, MONDO:0008662, OMIM 193220.
Retinitis pigmentosa 50 (RP50). Also called: Retinitis pigmentosa, concentric. Identifiers: Orphanet 791, MedGen C2750789, MONDO:0013175, OMIM 613194.

Allele frequency attached by ClinVar (database versions not stated): ESP Exome Variant Server 0.00008; TOPMed 0.00011; gnomAD exomes 0.00015 and 0.00007; ExAC 0.00006; gnomAD 0.00006 and 0.00007.
gnomAD v4.1: 239 of 1,613,940 alleles (0.015%); highest among the groups gnomAD compares: Non-Finnish European, 0.019%; no homozygotes.

Submissions 1 to 8 of 12:

Labcorp Genetics (formerly Invitae), Labcorp
Classification: Pathogenic. Last evaluated: 2025-06-30. Review status: criteria provided, single submitter. Criteria: Invitae Variant Classification Sherloc (09022015). Collection method: clinical testing. Allele origin: germline.
Comment: This sequence change replaces isoleucine, which is neutral and non-polar, with threonine, which is neutral and polar, at codon 201 of the BEST1 protein (p.Ile201Thr). This variant is present in population databases (rs199529046, gnomAD 0.01%). This missense change has been observed in individual(s) with autosomal recessive bestrophinopathy (PMID: 22422030, 26333019). In at least one individual the data is consistent with being in trans (on the opposite chromosome) from a pathogenic variant. It has also been observed to segregate with disease in related individuals. This variant has been reported in individual(s) with sporadic or autosomal dominant Best vitelliform macular dystrophy (PMID: 10798642, 21109774); however, the role of the variant in this condition is currently unclear. ClinVar contains an entry for this variant (Variation ID: 99726). Invitae Evidence Modeling of protein sequence and biophysical properties (such as structural, functional, and spatial information, amino acid conservation, physicochemical variation, residue mobility, and thermodynamic stability) indicates that this missense variant is expected to disrupt BEST1 protein function with a positive predictive value of 95%. Experimental studies are conflicting or provide insufficient evidence to determine the effect of this variant on BEST1 function (PMID: 17110374). For these reasons, this variant has been classified as Pathogenic.

PreventionGenetics, part of Exact Sciences
Classification: Likely pathogenic for BEST1-related condition. Last evaluated: 2025-04-21. Review status: criteria provided, single submitter. Criteria: ACMG Guidelines, 2015. Collection method: clinical testing. Allele origin: germline.
Comment: The BEST1 c.602T>C variant is predicted to result in the amino acid substitution p.Ile201Thr. This variant has been reported to be causative for autosomal recessive Best vitelliform macular dystrophy (for example, Zhao et al. 2012. PubMed ID: 22422030; Wivestad et al. 2016. PubMed ID: 26333019; Table S1, Lin et al. 2024. PubMed ID: 38219857). This variant was also reported in the heterozygous state in an individual with autosomal dominant Best macular dystrophy (Lotery et al. 2000. PubMed ID: 10798642). However, carriers in Zhao et al. were reported to be unaffected. This variant is reported in 0.015% of alleles in individuals of European (Non-Finnish) descent in gnomAD. Taken together, this variant is classified as likely pathogenic for autosomal recessive BEST1-related disease.

Blueprint Genetics
Classification: Pathogenic for BEST1-related disorders. Last evaluated: 2024-11-19. Review status: criteria provided, single submitter. Criteria: ACMG Guidelines, 2015. Collection method: clinical testing. Allele origin: germline. Affected: yes. Observed: 5 variant alleles.

GeneDx
Classification: Pathogenic. Last evaluated: 2024-04-24. Review status: criteria provided, single submitter. Criteria: GeneDx Variant Classification Process June 2021. Collection method: clinical testing. Allele origin: germline. Affected: yes.
Comment: Published functional studies suggest this variant results in partial loss of function, however additional studies are needed to validate the functional effect of this variant in vivo (PMID: 29063836); In silico analysis supports that this missense variant has a deleterious effect on protein structure/function; This variant is associated with the following publications: (PMID: 22422030, 10798642, 26333019, 17110374, 21273940, 22183385, 30609409, 31455904, 32239196, 33154968, 33039401, 35806438, 34996991, 32036094, 29063836)

Department of Pathology and Laboratory Medicine, Sinai Health System
Classification: Pathogenic for Vitelliform macular dystrophy 2; Autosomal dominant vitreoretinochoroidopathy; Retinitis pigmentosa 50; Autosomal recessive bestrophinopathy. Last evaluated: 2023-09-25. Review status: criteria provided, single submitter. Criteria: ACMG Guidelines, 2015. Collection method: research. Allele origin: germline.

Victorian Clinical Genetics Services, Murdoch Childrens Research Institute
Classification: Pathogenic for Autosomal recessive bestrophinopathy. Last evaluated: 2022-09-02. Review status: criteria provided, single submitter. Criteria: ACMG Guidelines, 2015. Collection method: clinical testing. Allele origin: germline. Inheritance: Autosomal recessive inheritance. Affected: yes.
Comment: Based on the classification scheme VCGS_Germline_v1.3.4, this variant is classified as Pathogenic. Following criteria are met: 0103 - Dominant negative and loss of function are known mechanisms of disease in this gene. Dominant negative variants are associated with autosomal dominant disease (macular dystrophy, vitelliform, 2, MIM#153700; vitreoretinochoroidopathy, MIM#193220) while loss of function variants are associated with autosomal recessive disease (bestrophinopathy, autosomal recessive, MIM#611809; PMID: 29668979). (I) 0108 - This gene is associated with both recessive and dominant disease (OMIM). (I) 0112 - The condition associated with this gene has incomplete penetrance. This has been observed in individuals with dominant vitelliform macular dystrophy (PMID: 21273940). (I) 0200 - Variant is predicted to result in a missense amino acid change from isoleucine to threonine. (I) 0251 - This variant is heterozygous. (I) 0304 - Variant is present in gnomAD (v2) <0.01 (19 heterozygotes, 0 homozygotes). (SP) 0309 - An alternative amino acid change at the same position has been observed in gnomAD (v2) (1 heterozygote, 0 homozygotes). (I) 0501 - Missense variant consistently predicted to be damaging by multiple in silico tools or highly conserved with a major amino acid change. (SP) 0600 - Variant is located in the annotated bestrophin domain (DECIPHER). (I) 0801 - This variant has strong previous evidence of pathogenicity in unrelated individuals. This variant has been reported multiple times as likely pathogenic and pathogenic, and has been observed in several compound heterozygous families with recessive vitelliform macular dystrophy (ClinVar, PMID: 22422030, PMID: 21273940). (SP) 0902 - This variant has moderate evidence for segregation with disease, where this variant was observed in three compound heterozygous siblings (PMID: 22422030). (SP) 1102 - Strong phenotype match for this individual. (SP) 1208 - Inheritance information for this variant is not currently available in this individual. (I) Legend: (SP) - Supporting pathogenic, (I) - Information, (SB) - Supporting benign

Ocular Genomics Institute, Massachusetts Eye and Ear
Classification: Pathogenic for Vitelliform macular dystrophy 2. Last evaluated: 2021-04-08. Review status: criteria provided, single submitter. Criteria: ACMG Guidelines, 2015. Collection method: research. Allele origin: germline. Affected: yes.
Comment: Through a review of available evidence we were able to apply the following criteria: PM2, PP3, PM3, PP1, PS3. Based on this evidence we have classified this variant as Pathogenic.

CeGaT Center for Human Genetics Tuebingen
Classification: Likely pathogenic. Last evaluated: 2021-03-01. Review status: criteria provided, single submitter. Criteria: CeGaT Center For Human Genetics Tuebingen Variant Classification Criteria Version 2. Collection method: clinical testing. Allele origin: germline. Affected: yes. Observed: 1 variant allele.